The following is an entry in ClinVar:

NM_020738.4(KIDINS220):c.517C>T (p.Pro173Ser)

Gene: KIDINS220 (kinase D interacting substrate 220; minus strand). Cytogenetic location: 2p25.1.
Variant type: single nucleotide variant.
Coding change: c.517C>T on transcript NM_020738.4 (MANE Select); coding-DNA position 517, C replaced by T.
Protein change: p.Pro173Ser; replaces proline 173 with serine.
Molecular consequence: missense variant. On other transcripts: non-coding transcript variant (2).
Genome position (GRCh38, 1-based): chr2:8,806,357, G>A on the plus strand (C>T on the coding strand, the complement: KIDINS220 is on the minus strand). VCF-style: chr2-8806357-G-A. GRCh37 (hg19) VCF-style: chr2-8946487-G-A.
Other names: c.520C>T, p.Pro174Ser (NM_001348729.2, NM_001348731.2, NM_001348734.2 and 3 more transcripts); c.517C>T, p.Pro173Ser (NM_001348732.2, NM_001348735.2, NM_001348738.2 and 3 more transcripts); c.391C>T, p.Pro131Ser (NM_001348736.2); c.517C>T (NM_001348732.1); short protein forms P131S, P173S, P174S.
Identifiers: ClinVar variation 2388181 (VCV002388181.8), dbSNP rs374716369, ClinGen allele CA1520400.

ClinVar aggregate classification (germline): Conflicting classifications of pathogenicity. Review status: criteria provided, conflicting classifications (1 of 4 stars). 4 submissions from 4 submitters: Uncertain significance (2); Likely benign (1). 1 of the submissions does not count toward it. Last evaluated 2024-03-19.

Conditions:
Inborn genetic diseases. Identifiers: MedGen C0950123, MeSH D030342.
KIDINS220-related disorder. Also called: KIDINS220-related condition.
Spastic paraplegia, intellectual disability, nystagmus, and obesity. Also called: Spastic paraplegia, intellectual disability, nystagmus, and obesity;. Identifiers: Orphanet 521390, MedGen C4284592, MONDO:0015007, OMIM 617296.
Ventriculomegaly and arthrogryposis. Identifiers: MedGen C5561973, MONDO:0859184, OMIM 619501.

Allele frequency attached by ClinVar (database versions not stated): gnomAD exomes 0.00003; ExAC 0.00007; 1000 Genomes Project 30x 0.00016; 1000 Genomes Project 0.00020; gnomAD 0.00024; ESP Exome Variant Server 0.00026.
gnomAD v4.1: 77 of 1,604,886 alleles (0.0048%); highest among the groups gnomAD compares: African/African-American, 0.087%; no homozygotes.

Submissions (4):

Labcorp Genetics (formerly Invitae), Labcorp
Classification: Uncertain significance. Last evaluated: 2024-03-19. Review status: criteria provided, single submitter. Criteria: Invitae Variant Classification Sherloc (09022015). Collection method: clinical testing. Allele origin: germline.
Comment: This sequence change replaces proline, which is neutral and non-polar, with serine, which is neutral and polar, at codon 173 of the KIDINS220 protein (p.Pro173Ser). This variant is present in population databases (rs374716369, gnomAD 0.1%). This variant has not been reported in the literature in individuals affected with KIDINS220-related conditions. ClinVar contains an entry for this variant (Variation ID: 2388181). An algorithm developed to predict the effect of missense changes on protein structure and function (PolyPhen-2) suggests that this variant¬¨‚Ä†is likely to be tolerated. In summary, the available evidence is currently insufficient to determine the role of this variant in disease. Therefore, it has been classified as a Variant of Uncertain Significance.

Ambry Genetics
Classification: Likely benign for Inborn genetic diseases. Last evaluated: 2022-12-01. Review status: criteria provided, single submitter. Criteria: Ambry Variant Classification Scheme 2023. Collection method: clinical testing. Allele origin: germline.

New York Genome Center
Classification: Uncertain significance for Spastic paraplegia, intellectual disability, nystagmus, and obesity; Ventriculomegaly and arthrogryposis. Last evaluated: 2022-09-30. Review status: criteria provided, single submitter. Criteria: NYGC Assertion Criteria 2020. Collection method: clinical testing. Allele origin: germline. Observed: 1 variant allele, 1 heterozygote.

PreventionGenetics, part of Exact Sciences
Classification: Uncertain significance for KIDINS220-related condition. Last evaluated: 2024-04-25. Review status: no assertion criteria provided. Collection method: clinical testing. Allele origin: germline. Not counted in ClinVar's aggregate classification.
Comment: The KIDINS220 c.517C>T variant is predicted to result in the amino acid substitution p.Pro173Ser. To our knowledge, this variant has not been reported in the literature. This variant is reported in 0.091% of alleles in individuals of African descent in gnomAD. Although we suspect that this variant may be benign, at this time, the clinical significance of this variant is uncertain due to the absence of conclusive functional and genetic evidence.